The following is an entry in ClinVar:

NM_022041.4(GAN):c.1720C>T (p.Arg574Cys)

Gene: GAN (gigaxonin; plus strand). Cytogenetic location: 16q23.2.
Variant type: single nucleotide variant.
Coding change: c.1720C>T on transcript NM_022041.4 (MANE Select); coding-DNA position 1720, C replaced by T.
Protein change: p.Arg574Cys; replaces arginine 574 with cysteine.
Molecular consequence: missense variant.
Genome position (GRCh38, 1-based): chr16:81,377,522, C>T. VCF-style: chr16-81377522-C-T. GRCh37 (hg19) VCF-style: chr16-81411127-C-T.
Other names: c.1081C>T, p.Arg361Cys (NM_001377486.1); short protein forms R574C, R361C.
Identifiers: ClinVar variation 561016 (VCV000561016.2), dbSNP rs1567501486, ClinGen allele CA396892475.

ClinVar aggregate classification (germline): Uncertain significance (1 of 4 stars; one submission).

Conditions:
Giant axonal neuropathy 1 (GAN1). Also called: GAN-Related Neurodegeneration; GIANT AXONAL NEUROPATHY 1, AUTOSOMAL RECESSIVE. Identifiers: Orphanet 643, MedGen C1850386, MONDO:0009749, OMIM 256850.

Allele frequency attached by ClinVar (database versions not stated): gnomAD exomes below 0.00001; TOPMed 0.00001.
gnomAD v4.1: 3 of 1,614,092 alleles (0.00019%); highest among the groups gnomAD compares: Non-Finnish European, 0.00017%; no homozygotes.

Submission:

Baylor Genetics
Classification: Uncertain significance for Giant axonal neuropathy 1. Last evaluated: 2017-09-01. Review status: criteria provided, single submitter. Criteria: ACMG Guidelines, 2015. Collection method: clinical testing. Allele origin: paternal. Inheritance: Autosomal recessive inheritance. Affected: yes.

Literature cited by the submitters: PubMed 25326635.